The following is an entry in ClinVar:

NM_020549.5(CHAT):c.287-567C>T

Gene: CHAT (choline O-acetyltransferase; plus strand). Cytogenetic location: 10q11.23.
Variant type: single nucleotide variant.
Coding change: c.287-567C>T on transcript NM_020549.5 (MANE Select); 567 bases into the intron before coding-DNA position 287, C replaced by T.
Molecular consequence: intron variant.
Genome position (GRCh38, 1-based): chr10:49,615,935, C>T. VCF-style: chr10-49615935-C-T. GRCh37 (hg19) VCF-style: chr10-50823981-C-T.
Other names: c.-68-567C>T (NM_020984.4, NM_020985.4, NM_020986.4 and 1 more transcripts); c.-138-88C>T (NM_001142934.2); c.-30-88C>T (NM_001142933.2).
Identifiers: ClinVar variation 681270 (VCV000681270.2), dbSNP rs8178987, ClinGen allele CA13290095.
Genomic context (GRCh38, chr10:49,615,935, plus strand): 5'-CCTAGGTCACAACGCCTCCAGCAGGCCCAGAGTCTCCCTGCCCTGGCCACAGGCCAGGCT[C>T]CCAATTAGCCCAGATGCATCCTGGAGCACAGGGCCTTAAAGGCCTCCATTCACCCACGCA-3'

ClinVar aggregate classification (germline): Benign. Review status: criteria provided, multiple submitters, no conflicts (2 of 4 stars). 2 submissions from 2 submitters: Benign (2). Last evaluated 2018-06-19.

Allele frequency attached by ClinVar (database versions not stated): 1000 Genomes Project 0.08307; 1000 Genomes Project 30x 0.08495; gnomAD exomes 0.10074; TOPMed 0.10076; gnomAD 0.10598 and 0.10924.
gnomAD v4.1: 118,043 of 1,164,328 alleles (10%); highest among the groups gnomAD compares: African/African-American, 11%; 6,527 homozygotes.

Submissions (2):

GeneDx
Classification: Benign. Last evaluated: 2018-06-19. Review status: criteria provided, single submitter. Criteria: GeneDx Variant Classification (06012015). Collection method: clinical testing. Allele origin: germline. Affected: yes.
Comment: This variant is considered likely benign or benign based on one or more of the following criteria: it is a conservative change, it occurs at a poorly conserved position in the protein, it is predicted to be benign by multiple in silico algorithms, and/or has population frequency not consistent with disease.

Breakthrough Genomics
Classification: Benign. Review status: criteria provided, single submitter. Criteria: ACMG Guidelines, 2015. Collection method: not provided. Allele origin: germline. Inheritance: Autosomal recessive inheritance. Affected: yes.